The following is an entry in ClinVar:

ClinVar aggregate classification (germline): Likely benign. Review status: criteria provided, single submitter (1 of 4 stars). 2 submissions from 2 submitters: Likely benign (1). 1 of the submissions does not count toward it. Last evaluated 2025-10-01.

Conditions:
SLCO2A1-related disorder. Also called: SLCO2A1-related condition.

Allele frequency attached by ClinVar (database versions not stated): ExAC 0.00017; gnomAD exomes 0.00017; gnomAD 0.00026 and 0.00027; TOPMed 0.00029; ESP Exome Variant Server 0.00046.
gnomAD v4.1: 555 of 1,613,682 alleles (0.034%); highest among the groups gnomAD compares: Non-Finnish European, 0.045%; no homozygotes.

Submissions (2):

Labcorp Genetics (formerly Invitae), Labcorp
Classification: Likely benign. Last evaluated: 2025-10-01. Review status: criteria provided, single submitter. Criteria: Invitae Variant Classification Sherloc (09022015). Collection method: clinical testing. Allele origin: germline.

PreventionGenetics, part of Exact Sciences
Classification: Likely benign for SLCO2A1-related condition. Last evaluated: 2019-06-25. Review status: no assertion criteria provided. Collection method: clinical testing. Allele origin: germline. Not counted in ClinVar's aggregate classification.
Comment: This variant is classified as likely benign based on ACMG/AMP sequence variant interpretation guidelines (Richards et al. 2015 PMID: 25741868, with internal and published modifications).

NM_005630.3(SLCO2A1):c.1581G>C (p.Leu527=)

Gene: SLCO2A1 (solute carrier organic anion transporter family member 2A1; minus strand). Cytogenetic location: 3q22.1.
Variant type: single nucleotide variant.
Coding change: c.1581G>C on transcript NM_005630.3 (MANE Select); coding-DNA position 1581, G replaced by C.
Protein change: p.Leu527=; no amino-acid change (leucine 527 retained).
Molecular consequence: synonymous variant.
Genome position (GRCh38, 1-based): chr3:133,942,649, C>G on the plus strand (G>C on the coding strand, the complement: SLCO2A1 is on the minus strand). VCF-style: chr3-133942649-C-G. GRCh37 (hg19) VCF-style: chr3-133661493-C-G.
Identifiers: ClinVar variation 732897 (VCV000732897.10), dbSNP rs145832999, ClinGen allele CA2626412.